The following is an entry in ClinVar:

ClinVar aggregate classification (germline): Conflicting classifications of pathogenicity. Review status: criteria provided, conflicting classifications (1 of 4 stars). 3 submissions from 3 submitters: Uncertain significance (1); Likely benign (2). Last evaluated 2025-12-29.

Conditions:
Microcephalic osteodysplastic primordial dwarfism type II (MOPD2). Also called: OSTEODYSPLASTIC PRIMORDIAL DWARFISM, TYPE II; Microcephalic osteodysplastic primordial dwarfism with tooth abnormalities; MOPD II. Identifiers: Orphanet 2637, MedGen C0432246, MONDO:0008872, OMIM 210720.
PCNT-related disorder. Also called: PCNT-related condition.

Allele frequency attached by ClinVar (database versions not stated): gnomAD 0.00001; TOPMed 0.00001; ExAC 0.00003; gnomAD exomes 0.00004.
gnomAD v4.1: 18 of 1,613,914 alleles (0.0011%); highest among the groups gnomAD compares: East Asian, 0.018%; no homozygotes.

Submissions (3):

PreventionGenetics, part of Exact Sciences
Classification: Likely benign for PCNT-related condition. Last evaluated: 2025-12-29. Review status: criteria provided, single submitter. Criteria: ACMG Guidelines, 2015. Collection method: clinical testing. Allele origin: germline.
Comment: This variant is classified as likely benign based on ACMG/AMP sequence variant interpretation guidelines (Richards et al. 2015 PMID: 25741868, with internal and published modifications).

Labcorp Genetics (formerly Invitae), Labcorp
Classification: Likely benign. Last evaluated: 2025-10-03. Review status: criteria provided, single submitter. Criteria: Invitae Variant Classification Sherloc (09022015). Collection method: clinical testing. Allele origin: germline.

Illumina Laboratory Services, Illumina
Classification: Uncertain significance for Microcephalic osteodysplastic primordial dwarfism type II. Last evaluated: 2018-01-13. Review status: criteria provided, single submitter. Criteria: ICSL Variant Classification Criteria 13 December 2019. Collection method: clinical testing. Allele origin: germline.

NM_006031.6(PCNT):c.4953C>T (p.Arg1651=)

Gene: PCNT (pericentrin; plus strand). Cytogenetic location: 21q22.3.
Variant type: single nucleotide variant.
Coding change: c.4953C>T on transcript NM_006031.6 (MANE Select); coding-DNA position 4953, C replaced by T.
Protein change: p.Arg1651=; no amino-acid change (arginine 1651 retained).
Molecular consequence: synonymous variant.
Genome position (GRCh38, 1-based): chr21:46,401,712, C>T. VCF-style: chr21-46401712-C-T. GRCh37 (hg19) VCF-style: chr21-47821626-C-T.
Other names: c.4599C>T, p.Arg1533= (NM_001315529.2).
Identifiers: ClinVar variation 340497 (VCV000340497.11), dbSNP rs760142269, ClinGen allele CA10079825.